The following is an entry in ClinVar:

ClinVar aggregate classification (germline): Uncertain significance (1 of 4 stars; one submission).

Conditions:
Perlman syndrome (PRLMNS). Identifiers: Orphanet 2849, MedGen C0796113, MONDO:0009965, OMIM 267000.

Allele frequency attached by ClinVar (database versions not stated): gnomAD exomes below 0.00001 and 0.00001; TOPMed 0.00001; gnomAD 0.00002.
gnomAD v4.1: 9 of 1,613,478 alleles (0.00056%); highest among the groups gnomAD compares: African/African-American, 0.0067%; 1 homozygote.

Submission:

Labcorp Genetics (formerly Invitae), Labcorp
Classification: Uncertain significance for Perlman syndrome. Last evaluated: 2024-09-23. Review status: criteria provided, single submitter. Criteria: Invitae Variant Classification Sherloc (09022015). Collection method: clinical testing. Allele origin: germline.
Comment: This sequence change replaces serine, which is neutral and polar, with leucine, which is neutral and non-polar, at codon 139 of the DIS3L2 protein (p.Ser139Leu). This variant is present in population databases (no rsID available, gnomAD 0.007%). This variant has not been reported in the literature in individuals affected with DIS3L2-related conditions. ClinVar contains an entry for this variant (Variation ID: 972462). An algorithm developed to predict the effect of missense changes on protein structure and function outputs the following: PolyPhen-2: "Benign". The leucine amino acid residue is found in multiple mammalian species, which suggests that this missense change does not adversely affect protein function. In summary, the available evidence is currently insufficient to determine the role of this variant in disease. Therefore, it has been classified as a Variant of Uncertain Significance.

NM_152383.5(DIS3L2):c.416C>T (p.Ser139Leu)

Gene: DIS3L2 (DIS3 like 3'-5' exoribonuclease 2; plus strand). Cytogenetic location: 2q37.1.
Variant type: single nucleotide variant.
Coding change: c.416C>T on transcript NM_152383.5 (MANE Select); coding-DNA position 416, C replaced by T.
Protein change: p.Ser139Leu; replaces serine 139 with leucine.
Molecular consequence: missense variant. On other transcripts: non-coding transcript variant (2).
Genome position (GRCh38, 1-based): chr2:232,087,536, C>T. VCF-style: chr2-232087536-C-T. GRCh37 (hg19) VCF-style: chr2-232952246-C-T.
Other names: c.416C>T, p.Ser139Leu (NM_001257281.2, NM_001257282.2); short protein forms S139L.
Identifiers: ClinVar variation 972462 (VCV000972462.8), dbSNP rs1463611318, ClinGen allele CA351154925.